The following is an entry in ClinVar:

ClinVar aggregate classification (germline): Uncertain significance. Review status: criteria provided, multiple submitters, no conflicts (2 of 4 stars). 2 submissions from 2 submitters: Uncertain significance (2). Last evaluated 2025-10-21.

Conditions:
MYH14-related disorder. Also called: MYH14-related condition.

gnomAD v4.1: 47 of 1,588,358 alleles (0.003%); highest among the groups gnomAD compares: African/African-American, 0.004%; no homozygotes.

Submissions (2):

Labcorp Genetics (formerly Invitae), Labcorp
Classification: Uncertain significance. Last evaluated: 2025-10-21. Review status: criteria provided, single submitter. Criteria: Invitae Variant Classification Sherloc (09022015). Collection method: clinical testing. Allele origin: germline.
Comment: This sequence change replaces valine, which is neutral and non-polar, with methionine, which is neutral and non-polar, at codon 948 of the MYH14 protein (p.Val948Met). This variant is present in population databases (rs749286731, gnomAD 0.009%). This variant has not been reported in the literature in individuals affected with MYH14-related conditions. Invitae Evidence Modeling of protein sequence and biophysical properties (such as structural, functional, and spatial information, amino acid conservation, physicochemical variation, residue mobility, and thermodynamic stability) indicates that this missense variant is not expected to disrupt MYH14 protein function with a negative predictive value of 80%. In summary, the available evidence is currently insufficient to determine the role of this variant in disease. Therefore, it has been classified as a Variant of Uncertain Significance.

PreventionGenetics, part of Exact Sciences
Classification: Uncertain significance for MYH14-related condition. Last evaluated: 2025-04-10. Review status: criteria provided, single submitter. Criteria: ACMG Guidelines, 2015. Collection method: clinical testing. Allele origin: germline.
Comment: The MYH14 c.2965G>A variant is predicted to result in the amino acid substitution p.Val989Met. To our knowledge, this variant has not been reported in the literature. This variant is reported in 0.0088% of alleles in individuals of African descent in gnomAD. At this time, the clinical significance of this variant is uncertain due to the absence of conclusive functional and genetic evidence.

NM_001145809.2(MYH14):c.2965G>A (p.Val989Met)

Gene: MYH14 (myosin heavy chain 14; plus strand). Cytogenetic location: 19q13.33.
Variant type: single nucleotide variant.
Coding change: c.2965G>A on transcript NM_001145809.2 (MANE Select); coding-DNA position 2965, G replaced by A.
Protein change: p.Val989Met; replaces valine 989 with methionine.
Molecular consequence: missense variant.
Genome position (GRCh38, 1-based): chr19:50,268,299, G>A. VCF-style: chr19-50268299-G-A. GRCh37 (hg19) VCF-style: chr19-50771556-G-A.
Other names: c.2866G>A, p.Val956Met (NM_001077186.2); c.2842G>A, p.Val948Met (NM_024729.4); c.2965G>A (NM_001145809.1); short protein forms V948M, V956M, V989M.
Identifiers: ClinVar variation 4802736 (VCV004802736.2).